The following is an entry in ClinVar:

NM_000255.4(MMUT):c.753+1G>A

Gene: MMUT (methylmalonyl-CoA mutase; minus strand). Cytogenetic location: 6p12.3.
Variant type: single nucleotide variant.
Coding change: c.753+1G>A on transcript NM_000255.4 (MANE Select); the canonical splice donor site of the intron after coding-DNA position 753, G replaced by A.
Molecular consequence: splice donor variant.
Genome position (GRCh38, 1-based): chr6:49,457,690, C>T on the plus strand (G>A on the coding strand, the complement: MMUT is on the minus strand). VCF-style: chr6-49457690-C-T. GRCh37 (hg19) VCF-style: chr6-49425403-C-T.
Identifiers: ClinVar variation 633322 (VCV000633322.10), dbSNP rs1028877309, ClinGen allele CA138799322.

ClinVar aggregate classification (germline): Pathogenic/Likely pathogenic. Review status: criteria provided, multiple submitters, no conflicts (2 of 4 stars). 3 submissions from 3 submitters: Pathogenic (2); Likely pathogenic (1). Last evaluated 2023-05-17.

Conditions:
Methylmalonic acidemia (MMA). Also called: Isolated Methylmalonic Acidemia. Identifiers: MedGen C0268583, MeSH C537358, MONDO:0002012, HP:0002912.
Methylmalonic aciduria due to methylmalonyl-CoA mutase deficiency (MAMM). Also called: Methylmalonic aciduria, mut type. Identifiers: Orphanet 27, MedGen C1855114, MONDO:0009612, OMIM 251000.

Allele frequency attached by ClinVar (database versions not stated): gnomAD 0.00001; TOPMed 0.00001.
gnomAD v4.1: 3 of 1,609,158 alleles (0.00019%); highest among the groups gnomAD compares: African/African-American, 0.004%; no homozygotes.

Submissions (3):

Labcorp Genetics (formerly Invitae), Labcorp
Classification: Pathogenic. Last evaluated: 2023-05-17. Review status: criteria provided, single submitter. Criteria: Invitae Variant Classification Sherloc (09022015). Collection method: clinical testing. Allele origin: germline.
Comment: This variant is not present in population databases (gnomAD no frequency). This sequence change affects a donor splice site in intron 3 of the MUT gene. It is expected to disrupt RNA splicing. Variants that disrupt the donor or acceptor splice site typically lead to a loss of protein function (PMID: 16199547), and loss-of-function variants in MUT are known to be pathogenic (PMID: 15781192). Algorithms developed to predict the effect of sequence changes on RNA splicing suggest that this variant may disrupt the consensus splice site. ClinVar contains an entry for this variant (Variation ID: 633322). Disruption of this splice site has been observed in individual(s) with methylmalonic aciduria (PMID: 16281286). For these reasons, this variant has been classified as Pathogenic.

Women's Health and Genetics/Laboratory Corporation of America, LabCorp
Classification: Likely pathogenic for Methylmalonic acidemia. Last evaluated: 2022-01-12. Review status: criteria provided, single submitter. Criteria: LabCorp Variant Classification Summary - May 2015. Collection method: clinical testing. Allele origin: germline.
Comment: Variant summary: MUT c.753+1G>A is located in a canonical splice-site and is predicted to affect mRNA splicing resulting in a significantly altered protein due to either exon skipping, shortening, or inclusion of intronic material. Several computational tools predict a significant impact on normal splicing: Four predict the variant abolishes a canonical 5' splicing donor site. However, these predictions have yet to be confirmed by functional studies. The variant was absent in 248600 control chromosomes (gnomAD). The variant, c.753+1G>A has been reported in the literature in one compound heterozygous individual affected with Methylmalonic Acidemia (example: Worgan_2006). These data do not allow any conclusion about variant significance. One clinical diagnostic laboratory has submitted clinical-significance assessments for this variant to ClinVar after 2014 and classified the variant as pathogenic. Based on the evidence outlined above, the variant was classified as likely pathogenic.

Fulgent Genetics
Classification: Pathogenic for Methylmalonic aciduria due to methylmalonyl-CoA mutase deficiency. Last evaluated: 2021-11-23. Review status: criteria provided, single submitter. Criteria: ACMG Guidelines, 2015. Collection method: clinical testing. Allele origin: unknown.

Literature cited by the submitters: PubMed 16199547 (cited by Labcorp Genetics (formerly Invitae), Labcorp); PubMed 15781192 (cited by Labcorp Genetics (formerly Invitae), Labcorp); PubMed 16281286 (cited by Labcorp Genetics (formerly Invitae), Labcorp and Women's Health and Genetics/Laboratory Corporation of America, LabCorp); PubMed 27233228 (cited by Women's Health and Genetics/Laboratory Corporation of America, LabCorp); PubMed 21114891 (cited by Women's Health and Genetics/Laboratory Corporation of America, LabCorp); PubMed 32451238 (cited by Women's Health and Genetics/Laboratory Corporation of America, LabCorp).